The following is an entry in ClinVar:

NM_018417.6(ADCY10):c.1932T>A (p.Asp644Glu)

Gene: ADCY10 (adenylate cyclase 10; minus strand). Cytogenetic location: 1q24.2.
Variant type: single nucleotide variant.
Coding change: c.1932T>A on transcript NM_018417.6 (MANE Select); coding-DNA position 1932, T replaced by A.
Protein change: p.Asp644Glu; replaces aspartic acid 644 with glutamic acid.
Molecular consequence: missense variant.
Genome position (GRCh38, 1-based): chr1:167,856,404, A>T on the plus strand (T>A on the coding strand, the complement: ADCY10 is on the minus strand). VCF-style: chr1-167856404-A-T. GRCh37 (hg19) VCF-style: chr1-167825642-A-T.
Other names: c.1473T>A, p.Asp491Glu (NM_001167749.3); c.1656T>A, p.Asp552Glu (NM_001297772.2); short protein forms D491E, D644E, D552E.
Identifiers: ClinVar variation 3698673 (VCV003698673.2).

ClinVar aggregate classification (germline): Uncertain significance (1 of 4 stars; one submission).

gnomAD v4.1: 1 of 1,614,218 alleles (0.000062%); highest among the groups gnomAD compares: Admixed American, 0.0017%; no homozygotes.

Submission:

Labcorp Genetics (formerly Invitae), Labcorp
Classification: Uncertain significance. Last evaluated: 2024-04-22. Review status: criteria provided, single submitter. Criteria: Invitae Variant Classification Sherloc (09022015). Collection method: clinical testing. Allele origin: germline.
Comment: This sequence change replaces aspartic acid, which is acidic and polar, with glutamic acid, which is acidic and polar, at codon 644 of the ADCY10 protein (p.Asp644Glu). This variant is present in population databases (rs747291612, gnomAD 0.003%). This variant has not been reported in the literature in individuals affected with ADCY10-related conditions. An algorithm developed to predict the effect of missense changes on protein structure and function (PolyPhen-2) suggests that this variant is likely to be disruptive. In summary, the available evidence is currently insufficient to determine the role of this variant in disease. Therefore, it has been classified as a Variant of Uncertain Significance.